The following is an entry in ClinVar:

NM_006180.6(NTRK2):c.249C>G (p.Asn83Lys)

Genes: NTRK2 (neurotrophic receptor tyrosine kinase 2; plus strand), LOC130001952 (ATAC-STARR-seq lymphoblastoid active region 28508; plus strand). Cytogenetic location: 9q21.33.
Variant type: single nucleotide variant.
Coding change: c.249C>G on transcript NM_006180.6 (MANE Select); coding-DNA position 249, C replaced by G.
Protein change: p.Asn83Lys; replaces asparagine 83 with lysine.
Molecular consequence: missense variant. On other transcripts: 5 prime UTR variant (4).
Genome position (GRCh38, 1-based): chr9:84,702,195, C>G. VCF-style: chr9-84702195-C-G. GRCh37 (hg19) VCF-style: chr9-87317110-C-G.
Other names: c.249C>G, p.Asn83Lys (NM_001007097.3, NM_001018064.3, NM_001018065.2 and 19 more transcripts); c.-220C>G (NM_001369535.1, NM_001369536.1, NM_001369550.1 and 1 more transcripts); short protein forms N83K.
Identifiers: ClinVar variation 2123382 (VCV002123382.4), dbSNP rs143970219, ClinGen allele CA374005078.
Genomic context (GRCh38, chr9:84,702,195, plus strand): 5'-GATTCACTCTCTGCTTTGTTACAGTTTCATCGCAAACCAGAAAAGGTTAGAAATCATCAA[C>G]GAAGATGATGTTGAAGCTTATGTGGGACTGAGAAATCTGTGAGTACTCAGGACCAGGGCA-3'
Protein context (NP_006171.2, residues 73-93): IANQKRLEII[Asn83Lys]EDDVEAYVGL

ClinVar aggregate classification (germline): Uncertain significance (1 of 4 stars; one submission).

Submission:

Labcorp Genetics (formerly Invitae), Labcorp
Classification: Uncertain significance. Last evaluated: 2022-04-08. Review status: criteria provided, single submitter. Criteria: Invitae Variant Classification Sherloc (09022015). Collection method: clinical testing. Allele origin: germline.
Comment: This sequence change replaces asparagine, which is neutral and polar, with lysine, which is basic and polar, at codon 83 of the NTRK2 protein (p.Asn83Lys). This variant is not present in population databases (gnomAD no frequency). This variant has not been reported in the literature in individuals affected with NTRK2-related conditions. Advanced modeling of protein sequence and biophysical properties (such as structural, functional, and spatial information, amino acid conservation, physicochemical variation, residue mobility, and thermodynamic stability) performed at Invitae indicates that this missense variant is not expected to disrupt NTRK2 protein function. In summary, the available evidence is currently insufficient to determine the role of this variant in disease. Therefore, it has been classified as a Variant of Uncertain Significance.